The following is an entry in ClinVar:

ClinVar aggregate classification (germline): Pathogenic/Likely pathogenic. Review status: criteria provided, multiple submitters, no conflicts (2 of 4 stars). 2 submissions from 2 submitters: Pathogenic (1); Likely pathogenic (1). Last evaluated 2025-10-01.

Conditions:
WDPCP-related disorder. Also called: WDPCP-related condition.
Bardet-Biedl syndrome (BBS). Identifiers: Orphanet 110, MedGen C0752166, MONDO:0015229.

Allele frequency attached by ClinVar (database versions not stated): gnomAD exomes below 0.00001; gnomAD 0.00001.

Submissions (2):

PreventionGenetics, part of Exact Sciences
Classification: Likely pathogenic for WDPCP-related condition. Last evaluated: 2025-10-01. Review status: criteria provided, single submitter. Criteria: ACMG Guidelines, 2015. Collection method: clinical testing. Allele origin: germline.
Comment: The WDPCP c.340dupA variant is predicted to result in a frameshift and premature protein termination (p.Ser114Lysfs*39). To our knowledge, this variant has not been reported in the literature. This variant is reported in 0.0065% of alleles in individuals of European (Non-Finnish) descent in gnomAD. Frameshift variants in WDPCP are expected to be pathogenic. This variant is interpreted as likely pathogenic.

Labcorp Genetics (formerly Invitae), Labcorp
Classification: Pathogenic for Bardet-Biedl syndrome. Last evaluated: 2022-04-16. Review status: criteria provided, single submitter. Criteria: Invitae Variant Classification Sherloc (09022015). Collection method: clinical testing. Allele origin: germline.
Comment: For these reasons, this variant has been classified as Pathogenic. This variant has not been reported in the literature in individuals affected with WDPCP-related conditions. This variant is present in population databases (no rsID available, gnomAD 0.007%). This sequence change creates a premature translational stop signal (p.Ser114Lysfs*39) in the WDPCP gene. It is expected to result in an absent or disrupted protein product. Loss-of-function variants in WDPCP are known to be pathogenic (PMID: 20671153, 25427950, 27158779).

Literature cited by the submitters: PubMed 20671153 (cited by Labcorp Genetics (formerly Invitae), Labcorp); PubMed 25427950 (cited by Labcorp Genetics (formerly Invitae), Labcorp); PubMed 27158779 (cited by Labcorp Genetics (formerly Invitae), Labcorp).

NM_015910.7(WDPCP):c.340dup (p.Ser114fs)

Gene: WDPCP (WD repeat containing planar cell polarity effector; minus strand). Cytogenetic location: 2p15.
Variant type: Duplication.
Coding change: c.340dup on transcript NM_015910.7 (MANE Select); coding-DNA position 340, one base duplicated (A; older notation c.340dupA).
Protein change: p.Ser114fs; shifts the reading frame from serine 114.
Molecular consequence: frameshift variant. On other transcripts: non-coding transcript variant (2).
Genome position (GRCh38, 1-based): chr2:63,484,648, T duplicated on the plus strand (A on the coding strand, the reverse complement: WDPCP is on the minus strand). VCF-style (leftmost placement, unchanged base first): chr2-63484647-C-CT. GRCh37 (hg19) VCF-style: chr2-63711781-C-CT.
Other names: c.340dupA (NM_015910.5); c.268dup, p.Ser90fs (NM_001354044.2); c.340dup, p.Ser114fs (NM_001354045.2); short protein forms S114fs, S90fs.
Identifiers: ClinVar variation 1896883 (VCV001896883.6), dbSNP rs1292684996, ClinGen allele CA533469814.